The following is an entry in ClinVar:

NM_001242896.3(DEPDC5):c.793_797del (p.Glu265fs)

Gene: DEPDC5 (DEP domain containing 5, GATOR1 subcomplex subunit; plus strand). Cytogenetic location: 22q12.2.
Variant type: Microsatellite.
Coding change: c.793_797del on transcript NM_001242896.3 (MANE Select); coding-DNA positions 793 to 797, 5 bases deleted (GAAGA; older notation c.793_797delGAAGA).
Protein change: p.Glu265fs; shifts the reading frame from glutamic acid 265.
Molecular consequence: frameshift variant. On other transcripts: non-coding transcript variant (5).
Genome position (GRCh38, 1-based): chr22:31,797,625-31,797,629, GAAGA deleted; deleting any 5 consecutive bases within chr22:31,797,617-31,797,629 gives the same sequence; the c. name uses the placement nearest the transcript's 3' end. VCF-style (leftmost placement, unchanged base first): chr22-31797616-GAGAGA-G. GRCh37 (hg19) VCF-style: chr22-32193602-GAGAGA-G.
Other names: c.793_797del, p.Glu265fs (NM_001007188.4, NM_001136029.4, NM_001242897.2 and 7 more transcripts); c.709_713del, p.Glu237fs (NM_001369901.1, NM_001369902.1); c.793_797delGAAGA (NM_001242896.1); short protein forms E237fs, E265fs.
Identifiers: ClinVar variation 654814 (VCV000654814.12), dbSNP rs1601925213, ClinGen allele CA915952305.
Genomic context (GRCh38, chr22:31,797,616, plus strand): 5'-ATATCAGCTGCTCAATATCCATTTTATGATAATACTCTTTTCAGAGTGGTGGTGCAGAAT[GAGAGA>G]AGAGAAGAATGGACTTCACTTCTCGTAACCATTAAAAAACTCTTCATCCAGTATCCAGTG-3'

ClinVar aggregate classification (germline): Pathogenic. Review status: criteria provided, multiple submitters, no conflicts (2 of 4 stars). 3 submissions from 3 submitters: Pathogenic (3). Last evaluated 2025-05-16.

Conditions:
Familial focal epilepsy with variable foci (FPEVF). Identifiers: Orphanet 98820, MedGen C1858477, MONDO:0020310.
Inborn genetic diseases. Identifiers: MedGen C0950123, MeSH D030342.

Submissions (3):

GeneDx
Classification: Pathogenic. Last evaluated: 2025-05-16. Review status: criteria provided, single submitter. Criteria: GeneDx Variant Classification Process June 2021. Collection method: clinical testing. Allele origin: germline.
Comment: Frameshift variant predicted to result in protein truncation or nonsense mediated decay in a gene for which loss of function is a known mechanism of disease; Not observed at significant frequency in large population cohorts (gnomAD); This variant is associated with the following publications: (PMID: 23542697, 23542701, 38508103, 31440721)

Labcorp Genetics (formerly Invitae), Labcorp
Classification: Pathogenic for Familial focal epilepsy with variable foci. Last evaluated: 2025-03-30. Review status: criteria provided, single submitter. Criteria: Invitae Variant Classification Sherloc (09022015). Collection method: clinical testing. Allele origin: germline.
Comment: This sequence change creates a premature translational stop signal (p.Glu265Metfs*9) in the DEPDC5 gene. It is expected to result in an absent or disrupted protein product. Loss-of-function variants in DEPDC5 are known to be pathogenic (PMID: 23542697, 23542701). This variant is not present in population databases (gnomAD no frequency). This variant has not been reported in the literature in individuals affected with DEPDC5-related conditions. ClinVar contains an entry for this variant (Variation ID: 654814). For these reasons, this variant has been classified as Pathogenic.

Ambry Genetics
Classification: Pathogenic for Inborn genetic diseases. Last evaluated: 2018-12-26. Review status: criteria provided, single submitter. Criteria: Ambry Variant Classification Scheme 2023. Collection method: clinical testing. Allele origin: germline.
Comment: The c.793_797delGAAGA pathogenic mutation, located in coding exon 12 of the DEPDC5 gene, results from a deletion of 5 nucleotides at nucleotide positions 793 to 797, causing a translational frameshift with a predicted alternate stop codon (p.E265Mfs*9). This alteration is expected to result in loss of function by premature protein truncation or nonsense-mediated mRNA decay. As such, this alteration is interpreted as a disease-causing mutation.

Literature cited by the submitters: PubMed 23542697 (cited by Labcorp Genetics (formerly Invitae), Labcorp); PubMed 23542701 (cited by Labcorp Genetics (formerly Invitae), Labcorp).